The following is an entry in ClinVar:

ClinVar aggregate classification (germline): Uncertain significance (1 of 4 stars; one submission).

Conditions:
Inborn genetic diseases. Identifiers: MedGen C0950123, MeSH D030342.

Submission:

Ambry Genetics
Classification: Uncertain significance for Inborn genetic diseases. Last evaluated: 2024-10-29. Review status: criteria provided, single submitter. Criteria: Ambry Variant Classification Scheme 2023. Collection method: clinical testing. Allele origin: germline.
Comment: The p.S633C variant (also known as c.1898C>G), located in coding exon 16 of the LRRK2 gene, results from a C to G substitution at nucleotide position 1898. The serine at codon 633 is replaced by cysteine, an amino acid with dissimilar properties. This amino acid position is conserved. In addition, the in silico prediction for this alteration is inconclusive. Based on the available evidence, the clinical significance of this variant remains unclear.

NM_198578.4(LRRK2):c.1898C>G (p.Ser633Cys)

Gene: LRRK2 (leucine rich repeat kinase 2; plus strand). Cytogenetic location: 12q12.
Variant type: single nucleotide variant.
Coding change: c.1898C>G on transcript NM_198578.4 (MANE Select); coding-DNA position 1898, C replaced by G.
Protein change: p.Ser633Cys; replaces serine 633 with cysteine.
Molecular consequence: missense variant.
Genome position (GRCh38, 1-based): chr12:40,274,950, C>G. VCF-style: chr12-40274950-C-G. GRCh37 (hg19) VCF-style: chr12-40668752-C-G.
Other names: short protein forms S633C.
Identifiers: ClinVar variation 3540755 (VCV003540755.1).